The following is an entry in ClinVar:

ClinVar aggregate classification (germline): Pathogenic (1 of 4 stars; one submission).

Submission:

Labcorp Genetics (formerly Invitae), Labcorp
Classification: Pathogenic. Last evaluated: 2023-04-20. Review status: criteria provided, single submitter. Criteria: Invitae Variant Classification Sherloc (09022015). Collection method: clinical testing. Allele origin: germline.
Comment: For these reasons, this variant has been classified as Pathogenic. This variant has not been reported in the literature in individuals affected with GNPAT-related conditions. This variant is not present in population databases (gnomAD no frequency). This sequence change creates a premature translational stop signal (p.Trp411Tyrfs*3) in the GNPAT gene. It is expected to result in an absent or disrupted protein product. Loss-of-function variants in GNPAT are known to be pathogenic (PMID: 9536089, 21990100).

Literature cited by the submitters: PubMed 9536089; PubMed 21990100.

NM_014236.4(GNPAT):c.1230_1231dup (p.Trp411fs)

Gene: GNPAT (glyceronephosphate O-acyltransferase; plus strand). Cytogenetic location: 1q42.2.
Variant type: Duplication.
Coding change: c.1230_1231dup on transcript NM_014236.4 (MANE Select); coding-DNA positions 1230 to 1231, 2 bases duplicated (AT; older notation c.1230_1231dupAT).
Protein change: p.Trp411fs; shifts the reading frame from tryptophan 411.
Molecular consequence: frameshift variant.
Genome position (GRCh38, 1-based): chr1:231,267,854-231,267,855, AT duplicated; duplicating any 2 consecutive bases within chr1:231,267,853-231,267,855 gives the same sequence; the c. name uses the placement nearest the transcript's 3' end. VCF-style (leftmost placement, unchanged base first): chr1-231267852-T-TTA. GRCh37 (hg19) VCF-style: chr1-231403598-T-TTA.
Other names: c.1047_1048dup, p.Trp350fs (NM_001316350.2); short protein forms W350fs, W411fs.
Identifiers: ClinVar variation 2802253 (VCV002802253.3), dbSNP rs2527029264, ClinGen allele CA2574165400.